The following is an entry in ClinVar:

ClinVar aggregate classification (germline): Benign (1 of 4 stars; one submission).

Conditions:
Neurofibromatosis, type 2 (SWNV). Also called: SCHWANNOMATOSIS, VESTIBULAR; BILATERAL ACOUSTIC NEUROFIBROMATOSIS; NF2-Related Schwannomatosis. Identifiers: Orphanet 637, MedGen C0027832, MONDO:0007039, OMIM 101000. Disease mechanism: loss of function.

Allele frequency attached by ClinVar (database versions not stated): gnomAD exomes 0.00118; 1000 Genomes Project 0.00639; gnomAD 0.00833 and 0.00902; TOPMed 0.00954.
gnomAD v4.1: 1,295 of 222,144 alleles (0.58%); highest among the groups gnomAD compares: African/African-American, 2.8%; 14 homozygotes.

Submission:

Illumina Laboratory Services, Illumina
Classification: Benign for Neurofibromatosis, type 2. Last evaluated: 2018-01-12. Review status: criteria provided, single submitter. Criteria: ICSL Variant Classification Criteria 13 December 2019. Collection method: clinical testing. Allele origin: germline.
Comment: This variant was observed in the ICSL laboratory as part of a predisposition screen in an ostensibly healthy population. It had not been previously curated by ICSL or reported in the Human Gene Mutation Database (HGMD: prior to June 1st, 2018), and was therefore a candidate for classification through an automated scoring system. Utilizing variant allele frequency, disease prevalence and penetrance estimates, and inheritance mode, an automated score was calculated to assess if this variant is too frequent to cause the disease. Based on the score and internal cut-off values, a variant classified as benign is not then subjected to further curation. The score for this variant resulted in a classification of benign for this disease.

NM_000268.4(NF2):c.*1270T>C

Gene: NF2 (NF2, moesin-ezrin-radixin like (MERLIN) tumor suppressor; plus strand). Cytogenetic location: 22q12.2.
Variant type: single nucleotide variant.
Coding change: c.*1270T>C on transcript NM_000268.4 (MANE Select); 1270 bases downstream of the stop codon, T replaced by C.
Molecular consequence: 3 prime UTR variant. On other transcripts: non-coding transcript variant (1).
Genome position (GRCh38, 1-based): chr22:29,696,072, T>C. VCF-style: chr22-29696072-T-C. GRCh37 (hg19) VCF-style: chr22-30092061-T-C.
Other names: c.*1330T>C (NM_016418.5, NM_181828.3, NM_181829.3 and 1 more transcripts); c.*1345T>C (NM_181832.3); c.*1270T>C (NM_181833.3).
Identifiers: ClinVar variation 341106 (VCV000341106.5), dbSNP rs542927614, ClinGen allele CA10653304.